The following is an entry in ClinVar:

NM_000258.3(MYL3):c.555T>C (p.Tyr185=)

Gene: MYL3 (myosin light chain 3; minus strand). Cytogenetic location: 3p21.31.
Variant type: single nucleotide variant.
Coding change: c.555T>C on transcript NM_000258.3 (MANE Select); coding-DNA position 555, T replaced by C.
Protein change: p.Tyr185=; no amino-acid change (tyrosine 185 retained).
Molecular consequence: synonymous variant.
Genome position (GRCh38, 1-based): chr3:46,858,388, A>G on the plus strand (T>C on the coding strand, the complement: MYL3 is on the minus strand). VCF-style: chr3-46858388-A-G. GRCh37 (hg19) VCF-style: chr3-46899878-A-G.
Identifiers: ClinVar variation 1171946 (VCV001171946.5), dbSNP rs769009588, ClinGen allele CA044740.

ClinVar aggregate classification (germline): Likely benign. Review status: criteria provided, multiple submitters, no conflicts (2 of 4 stars). 3 submissions from 3 submitters: Likely benign (3). Last evaluated 2024-07-29.

Conditions:
Cardiomyopathy (CMYO). Also called: Cardiomyopathies. Identifiers: Orphanet 167848, MedGen C0878544, MONDO:0004994, HP:0001638. Inheritance: Various modes of inheritance.
Hypertrophic cardiomyopathy. Also called: HYPERTROPHIC MYOCARDIOPATHY. Identifiers: Orphanet 217569, MedGen C0007194, MeSH D002312, MONDO:0005045, HP:0001639.

Allele frequency attached by ClinVar (database versions not stated): gnomAD exomes below 0.00001 and 0.00001; ExAC 0.00002.
gnomAD v4.1: 2 of 1,614,086 alleles (0.00012%); highest among the groups gnomAD compares: Non-Finnish European, 0.00017%; no homozygotes.

Submissions (3):

All of Us Research Program, National Institutes of Health
Classification: Likely benign for Hypertrophic cardiomyopathy. Last evaluated: 2024-07-29. Review status: criteria provided, single submitter. Criteria: ACMG Guidelines, 2015. Collection method: clinical testing. Allele origin: germline. Inheritance: Autosomal dominant inheritance. Observed: 1 variant allele, 1 heterozygote.
Comment: This study involves interpretation of variants in research participants for the purpose of population health screening. Participant phenotype was not available at the time of variant classification. Additional details can be found in publication PMID: 35346344, PMCID: PMC8962531

Labcorp Genetics (formerly Invitae), Labcorp
Classification: Likely benign for Hypertrophic cardiomyopathy. Last evaluated: 2024-04-26. Review status: criteria provided, single submitter. Criteria: Invitae Variant Classification Sherloc (09022015). Collection method: clinical testing. Allele origin: germline.

Color Diagnostics, LLC DBA Color Health
Classification: Likely benign for Cardiomyopathy. Last evaluated: 2021-02-18. Review status: criteria provided, single submitter. Criteria: ACMG Guidelines, 2015. Collection method: clinical testing. Allele origin: germline.